The following is an entry in ClinVar:

ClinVar aggregate classification (germline): Benign (0 of 4 stars; one submission).

Conditions:
MDN1-related disorder. Also called: MDN1-related condition.

Allele frequency attached by ClinVar (database versions not stated): ESP Exome Variant Server 0.04329; gnomAD 0.04522; TOPMed 0.04743; ExAC 0.05554; 1000 Genomes Project 0.06410; 1000 Genomes Project 30x 0.06574.
gnomAD v4.1: 66,158 of 1,603,014 alleles (4.1%); highest among the groups gnomAD compares: South Asian, 12%; 1,974 homozygotes.

Submission:

PreventionGenetics, part of Exact Sciences
Classification: Benign for MDN1-related condition. Last evaluated: 2019-04-29. Review status: no assertion criteria provided. Collection method: clinical testing. Allele origin: germline.
Comment: This variant is classified as benign based on ACMG/AMP sequence variant interpretation guidelines (Richards et al. 2015 PMID: 25741868, with internal and published modifications).

NM_014611.3(MDN1):c.6861-8T>C

Gene: MDN1 (midasin AAA ATPase 1; minus strand). Cytogenetic location: 6q15.
Variant type: single nucleotide variant.
Coding change: c.6861-8T>C on transcript NM_014611.3 (MANE Select); 8 bases into the intron before coding-DNA position 6861, T replaced by C.
Molecular consequence: intron variant.
Genome position (GRCh38, 1-based): chr6:89,714,759, A>G on the plus strand (T>C on the coding strand, the complement: MDN1 is on the minus strand). VCF-style: chr6-89714759-A-G. GRCh37 (hg19) VCF-style: chr6-90424478-A-G.
Identifiers: ClinVar variation 3057180 (VCV003057180.2), dbSNP rs78551873, ClinGen allele CA3924435.
Genomic context (GRCh38, chr6:89,714,759, plus strand): 5'-TCCTCATAGCTCGGGATATATCTCCATGAACAGGATCCATCGAGAGGAAAAGTCTAGAAA[A>G]ATAGCAATTCAAAGAAAAAAATGATTTTAAATCCCAGTGCAACCAAAGGTGTAGCTCAGC-3'